The following is an entry in ClinVar:

NM_001142864.4(PIEZO1):c.408C>A (p.Leu136=)

Gene: PIEZO1 (piezo type mechanosensitive ion channel component 1 (Er blood group); minus strand). Cytogenetic location: 16q24.3.
Variant type: single nucleotide variant.
Coding change: c.408C>A on transcript NM_001142864.4 (MANE Select); coding-DNA position 408, C replaced by A.
Protein change: p.Leu136=; no amino-acid change (leucine 136 retained).
Molecular consequence: synonymous variant.
Genome position (GRCh38, 1-based): chr16:88,741,535, G>T on the plus strand (C>A on the coding strand, the complement: PIEZO1 is on the minus strand). VCF-style: chr16-88741535-G-T. GRCh37 (hg19) VCF-style: chr16-88807943-G-T.
Identifiers: ClinVar variation 4873482 (VCV004873482.2).

ClinVar aggregate classification (germline): Likely benign (1 of 4 stars; one submission).

gnomAD v4.1: 34 of 1,535,574 alleles (0.0022%); highest among the groups gnomAD compares: Non-Finnish European, 0.003%; no homozygotes.

Submission:

CeGaT Center for Human Genetics Tuebingen
Classification: Likely benign. Last evaluated: 2026-04-01. Review status: criteria provided, single submitter. Criteria: CeGaT Center For Human Genetics Tuebingen Variant Classification Criteria Version 2. Collection method: clinical testing. Allele origin: germline. Affected: yes. Observed: 1 variant allele.
Comment: PIEZO1: BP4, BP7